The following is an entry in ClinVar:

ClinVar aggregate classification (germline): Uncertain significance (1 of 4 stars; one submission).

Conditions:
Spastic paraparesis-cataracts-speech delay syndrome (CSPSD). Also called: CATARACTS, SPASTIC PARAPARESIS, AND SPEECH DELAY. Identifiers: Orphanet 615938, MedGen C5543440, MONDO:0036212, OMIM 619338.

Submission:

Victorian Clinical Genetics Services, Murdoch Childrens Research Institute
Classification: Uncertain significance for Spastic paraparesis-cataracts-speech delay syndrome. Last evaluated: 2024-10-12. Review status: criteria provided, single submitter. Criteria: ACMG Guidelines, 2015. Collection method: clinical testing. Allele origin: germline. Affected: yes.
Comment: This variant is classified as VUS-3A. Evidence in support of pathogenic classification: Variant is absent from gnomAD (v2, v3 and v4); Missense variant consistently predicted to be damaging by in silico tool or highly conserved with a major amino acid change; Additional information: Variant is predicted to result in a missense amino acid change from tryptophan to cysteine; This variant is heterozygous; This gene is associated with both recessive and dominant disease. Biallelic variants in this gene that result in FAR1 deficiency are associated with peroxisomal fatty acyl-CoA reductase 1 disorder (MIM#616154), whereas monoallelic variants with a gain of function effect have been associated with cataracts, spastic paraparesis, and speech delay (MIM#619338) (PMID: 33239752); This variant has no previous evidence of pathogenicity; No published segregation evidence has been identified for this variant; No published functional evidence has been identified for this variant; No comparable missense variants have previous evidence for pathogenicity; Variant is not located in an established domain, motif, hotspot or informative constraint region; Loss of function and gain of function are known mechanisms of disease in this gene, and are associated with peroxisomal fatty acyl-CoA reductase 1 disorder (MIM#616154), and cataracts, spastic paraparesis, and speech delay (MIM#619338), respectively (PMID: 33239752).

Literature cited by the submitters: PubMed 33239752.

NM_032228.6(FAR1):c.1479G>T (p.Trp493Cys)

Gene: FAR1 (fatty acyl-CoA reductase 1; plus strand). Cytogenetic location: 11p15.3.
Variant type: single nucleotide variant.
Coding change: c.1479G>T on transcript NM_032228.6 (MANE Select); coding-DNA position 1479, G replaced by T.
Protein change: p.Trp493Cys; replaces tryptophan 493 with cysteine.
Molecular consequence: missense variant.
Genome position (GRCh38, 1-based): chr11:13,728,705, G>T. VCF-style: chr11-13728705-G-T. GRCh37 (hg19) VCF-style: chr11-13750252-G-T.
Other names: c.1488G>T, p.Trp496Cys (NM_001441242.1); c.1464G>T, p.Trp488Cys (NM_001441243.1); c.1434G>T, p.Trp478Cys (NM_001441244.1); c.1365G>T, p.Trp455Cys (NM_001441245.1); c.1299G>T, p.Trp433Cys (NM_001441246.1); c.1239G>T, p.Trp413Cys (NM_001441247.1); c.1182G>T, p.Trp394Cys (NM_001441248.1); c.1137G>T, p.Trp379Cys (NM_001441249.1); and 1 more; short protein forms W299C, W379C, W394C, W413C, W433C, W455C, W478C, W488C.
Identifiers: ClinVar variation 4531839 (VCV004531839.1).